The following is an entry in ClinVar:

NM_000130.5(F5):c.1667G>A (p.Ser556Asn)

Gene: F5 (coagulation factor V; minus strand). Cytogenetic location: 1q24.2.
Variant type: single nucleotide variant.
Coding change: c.1667G>A on transcript NM_000130.5 (MANE Select); coding-DNA position 1667, G replaced by A.
Protein change: p.Ser556Asn; replaces serine 556 with asparagine.
Molecular consequence: missense variant.
Genome position (GRCh38, 1-based): chr1:169,546,537, C>T on the plus strand (G>A on the coding strand, the complement: F5 is on the minus strand). VCF-style: chr1-169546537-C-T. GRCh37 (hg19) VCF-style: chr1-169515775-C-T.
Other names: short protein forms S556N.
Identifiers: ClinVar variation 3022808 (VCV003022808.3), dbSNP rs747716745, ClinGen allele CA1234264.

ClinVar aggregate classification (germline): Uncertain significance (1 of 4 stars; one submission).

Conditions:
Congenital factor V deficiency. Also called: Hereditary factor V deficiency disease; LABILE FACTOR DEFICIENCY; OWREN PARAHEMOPHILIA; PARAHEMOPHILIA. Identifiers: Orphanet 326, MedGen C0015499, MONDO:0009210, OMIM 227400.

Allele frequency attached by ClinVar (database versions not stated): ExAC 0.00001; gnomAD 0.00002; TOPMed 0.00003.
gnomAD v4.1: 3 of 1,614,030 alleles (0.00019%); highest among the groups gnomAD compares: African/African-American, 0.004%; no homozygotes.

Submission:

Labcorp Genetics (formerly Invitae), Labcorp
Classification: Uncertain significance for Congenital factor V deficiency. Last evaluated: 2023-07-12. Review status: criteria provided, single submitter. Criteria: Invitae Variant Classification Sherloc (09022015). Collection method: clinical testing. Allele origin: germline.
Comment: This missense change has been observed in individual(s) with factor V deficiency (PMID: 33769317). In summary, the available evidence is currently insufficient to determine the role of this variant in disease. Therefore, it has been classified as a Variant of Uncertain Significance. Advanced modeling of protein sequence and biophysical properties (such as structural, functional, and spatial information, amino acid conservation, physicochemical variation, residue mobility, and thermodynamic stability) performed at Invitae indicates that this missense variant is expected to disrupt F5 protein function. This variant is present in population databases (rs747716745, gnomAD 0.01%). This sequence change replaces serine, which is neutral and polar, with asparagine, which is neutral and polar, at codon 556 of the F5 protein (p.Ser556Asn).

Literature cited by the submitters: PubMed 33769317.